The following is an entry in ClinVar:

NM_015311.3(OBSL1):c.5243C>T (p.Thr1748Met)

Gene: OBSL1 (obscurin like cytoskeletal adaptor 1; minus strand). Cytogenetic location: 2q35.
Variant type: single nucleotide variant.
Coding change: c.5243C>T on transcript NM_015311.3 (MANE Select); coding-DNA position 5243, C replaced by T.
Protein change: p.Thr1748Met; replaces threonine 1748 with methionine.
Molecular consequence: missense variant.
Genome position (GRCh38, 1-based): chr2:219,552,601, G>A on the plus strand (C>T on the coding strand, the complement: OBSL1 is on the minus strand). VCF-style: chr2-219552601-G-A. GRCh37 (hg19) VCF-style: chr2-220417323-G-A.
Other names: short protein forms T1748M.
Identifiers: ClinVar variation 898683 (VCV000898683.11), dbSNP rs755217589, ClinGen allele CA2130319.

ClinVar aggregate classification (germline): Conflicting classifications of pathogenicity. Review status: criteria provided, conflicting classifications (1 of 4 stars). 4 submissions from 4 submitters: Uncertain significance (2); Likely benign (2). Last evaluated 2026-01-14.

Conditions:
3M syndrome 2. Also called: 3-M Syndrome, OBSL1-Related; THREE M SYNDROME 2. Identifiers: Orphanet 2616, MedGen C2752041, MONDO:0013039, OMIM 612921.
Inborn genetic diseases. Identifiers: MedGen C0950123, MeSH D030342.

Allele frequency attached by ClinVar (database versions not stated): gnomAD 0.00003 and 0.00004; TOPMed 0.00006; gnomAD exomes 0.00011; ExAC 0.00021.
gnomAD v4.1: 101 of 1,581,230 alleles (0.0064%); highest among the groups gnomAD compares: Non-Finnish European, 0.0011%; no homozygotes.

Submissions (4):

Labcorp Genetics (formerly Invitae), Labcorp
Classification: Likely benign. Last evaluated: 2026-01-14. Review status: criteria provided, single submitter. Criteria: Invitae Variant Classification Sherloc (09022015). Collection method: clinical testing. Allele origin: germline.

Women's Health and Genetics/Laboratory Corporation of America, LabCorp
Classification: Likely benign. Last evaluated: 2025-02-17. Review status: criteria provided, single submitter. Criteria: LabCorp Variant Classification Summary - May 2015. Collection method: clinical testing. Allele origin: germline.
Comment: Variant summary: OBSL1 c.5243C>T (p.Thr1748Met) results in a non-conservative amino acid change in the encoded protein sequence. Four of five in-silico tools predict a benign effect of the variant on protein function. The observed variant frequency within Ashkenazi Jewish control individuals in the gnomAD database is approximately 2.1 fold of the estimated maximal expected allele frequency for a pathogenic variant in OBSL1 causing Three M Syndrome 2 phenotype (0.0011). To our knowledge, no occurrence of c.5243C>T in individuals affected with Three M Syndrome 2 and no experimental evidence demonstrating its impact on protein function have been reported. ClinVar contains an entry for this variant (Variation ID: 898683). Based on the evidence outlined above, the variant was classified as likely benign.

Ambry Genetics
Classification: Uncertain significance for Inborn genetic diseases. Last evaluated: 2023-02-22. Review status: criteria provided, single submitter. Criteria: Ambry Variant Classification Scheme 2023. Collection method: clinical testing. Allele origin: germline.

Illumina Laboratory Services, Illumina
Classification: Uncertain significance for 3M syndrome 2. Last evaluated: 2018-01-13. Review status: criteria provided, single submitter. Criteria: ICSL Variant Classification Criteria 13 December 2019. Collection method: clinical testing. Allele origin: germline.